The following is an entry in ClinVar:

ClinVar aggregate classification (germline): Conflicting classifications of pathogenicity. Review status: criteria provided, conflicting classifications (1 of 4 stars). 5 submissions from 5 submitters: Uncertain significance (4); Likely benign (1). Last evaluated 2026-02-11.

Conditions:
Ullrich congenital muscular dystrophy 1B (UCMD1B). Identifiers: MedGen C5935582, MONDO:0958235, OMIM 620727.
Bethlem myopathy 1A. Also called: Bethlem Muscular Dystrophy; Bethlem myopathy 1; MYOPATHY, BENIGN CONGENITAL, WITH CONTRACTURES. Identifiers: Orphanet 610, MedGen CN029274, MONDO:0024530, OMIM 158810.

Allele frequency attached by ClinVar (database versions not stated): gnomAD exomes 0.00019; 1000 Genomes Project 0.00020; gnomAD 0.00021 and 0.00019; 1000 Genomes Project 30x 0.00016; ESP Exome Variant Server 0.00015; ExAC 0.00030; TOPMed 0.00018.
gnomAD v4.1: 312 of 1,609,448 alleles (0.019%); highest among the groups gnomAD compares: South Asian, 0.024%; no homozygotes.

Submissions (5):

Institute of Human Genetics, University of Leipzig Medical Center
Classification: Uncertain significance for Ullrich congenital muscular dystrophy 1B. Last evaluated: 2026-02-11. Review status: criteria provided, single submitter. Criteria: ACMG Guidelines, 2015. Collection method: clinical testing. Allele origin: unknown. Inheritance: Autosomal recessive inheritance. Affected: yes.
Comment: Criteria applied: PS4_SUP,PM2_SUP,PM3_SUP,PM5_SUP,PP3

Labcorp Genetics (formerly Invitae), Labcorp
Classification: Likely benign for Bethlem myopathy 1A. Last evaluated: 2026-01-23. Review status: criteria provided, single submitter. Criteria: Invitae Variant Classification Sherloc (09022015). Collection method: clinical testing. Allele origin: germline.

Women's Health and Genetics/Laboratory Corporation of America, LabCorp
Classification: Uncertain significance. Last evaluated: 2024-06-20. Review status: criteria provided, single submitter. Criteria: LabCorp Variant Classification Summary - May 2015. Collection method: clinical testing. Allele origin: germline.
Comment: Variant summary: COL6A2 c.2528G>A (p.Arg843Gln) results in a conservative amino acid change located in the von Willebrand factor, type A domain (IPR002035) of the encoded protein sequence. Three of five in-silico tools predict a damaging effect of the variant on protein function. The variant allele was found at a frequency of 0.00019 in 239254 control chromosomes. This frequency is not significantly higher than estimated for a pathogenic variant in COL6A2 causing Collagen Type VI-Related Disorders, allowing no conclusion about variant significance. c.2528G>A has been reported in the literature in the heterozygous state in an individual affected with Bethlem myopathy (Foley_2013), in a compound heterozygous individual with a suspected muscle disorder who underwent multigene panel testing and also had compound heterozygous variants in the CAPN3 gene (Thuriot_2020), and in an individual affected with Down syndrome who had atrioventricular septal defect (Ackerman_2012). These reports do not provide unequivocal conclusions about association of the variant with Collagen Type VI-Related Disorders. To our knowledge, no experimental evidence demonstrating an impact on protein function has been reported. The following publications have been ascertained in the context of this evaluation (PMID: 23040494, 24271325, 32337335). ClinVar contains an entry for this variant (Variation ID: 166934). Based on the evidence outlined above, the variant was classified as uncertain significance.

Revvity Omics, Revvity
Classification: Uncertain significance. Last evaluated: 2024-06-10. Review status: criteria provided, single submitter. Criteria: ACMG Guidelines, 2015. Collection method: clinical testing. Allele origin: germline.

Eurofins Ntd Llc (ga)
Classification: Uncertain significance. Last evaluated: 2017-10-04. Review status: criteria provided, single submitter. Criteria: EGL Classification Definitions 2015. Collection method: clinical testing. Allele origin: germline. Observed: 5 variant alleles, 5 heterozygotes.

Literature cited by the submitters: PubMed 32337335 (cited by Women's Health and Genetics/Laboratory Corporation of America, LabCorp); PubMed 23040494 (cited by Women's Health and Genetics/Laboratory Corporation of America, LabCorp); PubMed 24271325 (cited by Women's Health and Genetics/Laboratory Corporation of America, LabCorp).

NM_001849.4(COL6A2):c.2528G>A (p.Arg843Gln)

Gene: COL6A2 (collagen type VI alpha 2 chain; plus strand). Cytogenetic location: 21q22.3.
Variant type: single nucleotide variant.
Coding change: c.2528G>A on transcript NM_001849.4 (MANE Select); coding-DNA position 2528, G replaced by A.
Protein change: p.Arg843Gln; replaces arginine 843 with glutamine.
Molecular consequence: missense variant.
Genome position (GRCh38, 1-based): chr21:46,132,020, G>A. VCF-style: chr21-46132020-G-A. GRCh37 (hg19) VCF-style: chr21-47551934-G-A.
Identifiers: ClinVar variation 166934 (VCV000166934.18), dbSNP rs201736323, ClinGen allele CA233819.